The following is an entry in ClinVar:

NM_006386.5(DDX17):c.680T>A (p.Leu227Gln)

Gene: DDX17 (DEAD-box helicase 17; minus strand). Cytogenetic location: 22q13.1.
Variant type: single nucleotide variant.
Coding change: c.680T>A on transcript NM_006386.5 (MANE Select); coding-DNA position 680, T replaced by A.
Protein change: p.Leu227Gln; replaces leucine 227 with glutamine.
Molecular consequence: missense variant.
Genome position (GRCh38, 1-based): chr22:38,498,143, A>T on the plus strand (T>A on the coding strand, the complement: DDX17 is on the minus strand). VCF-style: chr22-38498143-A-T. GRCh37 (hg19) VCF-style: chr22-38894148-A-T.
Other names: c.680T>A, p.Leu227Gln (NM_001098504.2); short protein forms L227Q.
Identifiers: ClinVar variation 3907840 (VCV003907840.1).

ClinVar aggregate classification (germline): Uncertain significance (1 of 4 stars; one submission).

Submission:

GeneDx
Classification: Uncertain significance. Last evaluated: 2024-12-22. Review status: criteria provided, single submitter. Criteria: GeneDx Variant Classification Process June 2021. Collection method: clinical testing. Allele origin: germline. Affected: yes.
Comment: Not observed at significant frequency in large population cohorts (gnomAD); In silico analysis supports that this missense variant has a deleterious effect on protein structure/function; Has not been previously published as pathogenic or benign to our knowledge